The following is an entry in ClinVar:

ClinVar aggregate classification (germline): Benign/Likely benign. Review status: criteria provided, multiple submitters, no conflicts (2 of 4 stars). 4 submissions from 4 submitters: Benign (1); Likely benign (2). 1 of the submissions does not count toward it. Last evaluated 2024-01-30.

Conditions:
Proteinuria, chronic benign. Identifiers: MedGen C5394384, MONDO:0030042, OMIM 618884.
Imerslund-Grasbeck syndrome type 1 (IGS1). Also called: MEGALOBLASTIC ANEMIA, 1; Imerslund-Gräsbeck syndrome 1; Megaloblastic anemia 1, Finnish type. Identifiers: MedGen C4016819, MONDO:0100156, OMIM 261100.
CUBN-related disorder. Also called: CUBN-related condition.
Imerslund-Grasbeck syndrome. Also called: ENTEROCYTE COBALAMIN MALABSORPTION; ENTEROCYTE INTRINSIC FACTOR RECEPTOR, DEFECT OF; PERNICIOUS ANEMIA, JUVENILE, DUE TO SELECTIVE INTESTINAL MALABSORPTION OF VITAMIN B12, WITH PROTEINURIA; Megaloblastic anemia due to inborn errors of metabolism; Imerslund-Gräsbeck syndrome. Identifiers: Orphanet 35858, MedGen C4551825, MONDO:0009853.

Allele frequency attached by ClinVar (database versions not stated): gnomAD below 0.00001 and 0.00006; TOPMed 0.00002; gnomAD exomes 0.00012 and 0.00029; ExAC 0.00040; 1000 Genomes Project 30x 0.00125; 1000 Genomes Project 0.00160.
gnomAD v4.1: 195 of 1,614,168 alleles (0.012%); highest among the groups gnomAD compares: South Asian, 0.2%; 3 homozygotes.

Submissions (4):

Blueprint Genetics
Classification: Likely benign. Last evaluated: 2024-01-30. Review status: criteria provided, single submitter. Criteria: ACMG Guidelines, 2015. Collection method: clinical testing. Allele origin: germline.

Labcorp Genetics (formerly Invitae), Labcorp
Classification: Benign for Imerslund-Grasbeck syndrome. Last evaluated: 2023-03-08. Review status: criteria provided, single submitter. Criteria: Invitae Variant Classification Sherloc (09022015). Collection method: clinical testing. Allele origin: germline.

Fulgent Genetics
Classification: Likely benign for Imerslund-Grasbeck syndrome type 1; Proteinuria, chronic benign. Last evaluated: 2021-09-05. Review status: criteria provided, single submitter. Criteria: ACMG Guidelines, 2015. Collection method: clinical testing. Allele origin: unknown.

PreventionGenetics, part of Exact Sciences
Classification: Likely benign for CUBN-related condition. Last evaluated: 2019-04-25. Review status: no assertion criteria provided. Collection method: clinical testing. Allele origin: germline. Not counted in ClinVar's aggregate classification.
Comment: This variant is classified as likely benign based on ACMG/AMP sequence variant interpretation guidelines (Richards et al. 2015 PMID: 25741868, with internal and published modifications).

NM_001081.4(CUBN):c.4212C>T (p.Ser1404=)

Gene: CUBN (cubilin; minus strand). Cytogenetic location: 10p13.
Variant type: single nucleotide variant.
Coding change: c.4212C>T on transcript NM_001081.4 (MANE Select); coding-DNA position 4212, C replaced by T.
Protein change: p.Ser1404=; no amino-acid change (serine 1404 retained).
Molecular consequence: synonymous variant.
Genome position (GRCh38, 1-based): chr10:16,990,472, G>A on the plus strand (C>T on the coding strand, the complement: CUBN is on the minus strand). VCF-style: chr10-16990472-G-A. GRCh37 (hg19) VCF-style: chr10-17032471-G-A.
Identifiers: ClinVar variation 698722 (VCV000698722.10), dbSNP rs544694254, ClinGen allele CA5424453.